The following is an entry in ClinVar:

NM_005263.5(GFI1):c.161G>A (p.Arg54His)

Gene: GFI1 (growth factor independent 1 transcriptional repressor; minus strand). Cytogenetic location: 1p22.1.
Variant type: single nucleotide variant.
Coding change: c.161G>A on transcript NM_005263.5 (MANE Select); coding-DNA position 161, G replaced by A.
Protein change: p.Arg54His; replaces arginine 54 with histidine.
Molecular consequence: missense variant.
Genome position (GRCh38, 1-based): chr1:92,483,001, C>T on the plus strand (G>A on the coding strand, the complement: GFI1 is on the minus strand). VCF-style: chr1-92483001-C-T. GRCh37 (hg19) VCF-style: chr1-92948558-C-T.
Other names: c.161G>A, p.Arg54His (NM_001127215.3, NM_001127216.3); short protein forms R54H.
Identifiers: ClinVar variation 2797535 (VCV002797535.4), dbSNP rs781340970, ClinGen allele CA951472.
Genomic context (GRCh38, chr1:92,483,001, plus strand): 5'-CTGTCTGGGGATGCGGAGGCTCTGTCTGGGGCTTCGGTCAGCTGCGATTCGGGGGACAAA[C>T]GGTCCCGGGGCTCCGCCTTCGCCCCGCCTGCATTTGAAGTGCTGTCTGCAAAGAGGAGGC-3'
Protein context (NP_005254.2, residues 44-64): AGGAKAEPRD[Arg54His]LSPESQLTEA

ClinVar aggregate classification (germline): Uncertain significance. Review status: criteria provided, multiple submitters, no conflicts (2 of 4 stars). 2 submissions from 2 submitters: Uncertain significance (2). Last evaluated 2024-11-24.

Conditions:
Neutropenia, severe congenital, 2, autosomal dominant. Identifiers: Orphanet 486, MedGen C2751288, MONDO:0013139, OMIM 613107.

Allele frequency attached by ClinVar (database versions not stated): TOPMed below 0.00001; ExAC 0.00001.

Submissions (2):

Ambry Genetics
Classification: Uncertain significance. Last evaluated: 2024-11-24. Review status: criteria provided, single submitter. Criteria: Ambry Variant Classification Scheme 2023. Collection method: clinical testing. Allele origin: germline.
Comment: The p.R54H variant (also known as c.161G>A), located in coding exon 2 of the GFI1 gene, results from a G to A substitution at nucleotide position 161. The arginine at codon 54 is replaced by histidine, an amino acid with highly similar properties. This amino acid position is conserved. In addition, this alteration is predicted to be tolerated by in silico analysis. Based on the available evidence, the clinical significance of this variant remains unclear.

Labcorp Genetics (formerly Invitae), Labcorp
Classification: Uncertain significance for Neutropenia, severe congenital, 2, autosomal dominant. Last evaluated: 2023-04-29. Review status: criteria provided, single submitter. Criteria: Invitae Variant Classification Sherloc (09022015). Collection method: clinical testing. Allele origin: germline.
Comment: In summary, the available evidence is currently insufficient to determine the role of this variant in disease. Therefore, it has been classified as a Variant of Uncertain Significance. Advanced modeling of protein sequence and biophysical properties (such as structural, functional, and spatial information, amino acid conservation, physicochemical variation, residue mobility, and thermodynamic stability) performed at Invitae indicates that this missense variant is not expected to disrupt GFI1 protein function. This variant has not been reported in the literature in individuals affected with GFI1-related conditions. This variant is present in population databases (rs781340970, gnomAD 0.003%). This sequence change replaces arginine, which is basic and polar, with histidine, which is basic and polar, at codon 54 of the GFI1 protein (p.Arg54His).